The following is an entry in ClinVar:

NM_000070.3(CAPN3):c.2177C>T (p.Ala726Val)

Gene: CAPN3 (calpain 3; plus strand). Cytogenetic location: 15q15.1.
Variant type: single nucleotide variant.
Coding change: c.2177C>T on transcript NM_000070.3 (MANE Select); coding-DNA position 2177, C replaced by T.
Protein change: p.Ala726Val; replaces alanine 726 with valine.
Molecular consequence: missense variant.
Genome position (GRCh38, 1-based): chr15:42,410,489, C>T. VCF-style: chr15-42410489-C-T. GRCh37 (hg19) VCF-style: chr15-42702687-C-T.
Other names: c.2159C>T, p.Ala720Val (NM_024344.2); c.1901C>T, p.Ala634Val (NM_173087.2); c.641C>T, p.Ala214Val (NM_173088.2); c.182C>T, p.Ala61Val (NM_173089.2, NM_173090.2); c.2177C>T (NM_000070.2); short protein forms A214V, A61V, A634V, A720V, A726V.
Identifiers: ClinVar variation 1210371 (VCV001210371.5), dbSNP rs2141223812, ClinGen allele CA392001740.

ClinVar aggregate classification (germline): Uncertain significance. Review status: criteria provided, multiple submitters, no conflicts (2 of 4 stars). 4 submissions from 3 submitters: Uncertain significance (4). Last evaluated 2023-06-30.

Conditions:
Autosomal recessive limb-girdle muscular dystrophy type 2A (LGMDR1). Also called: LEYDEN-MOEBIUS MUSCULAR DYSTROPHY; MUSCULAR DYSTROPHY, PELVOFEMORAL; Limb-girdle muscular dystrophy, type 2A; Calpainopathy; Muscular dystrophy, limb-girdle, type 2A, Amish. Identifiers: Orphanet 267, MedGen C1869123, MONDO:0009675, OMIM 253600. Disease mechanism: loss of function.
Muscular dystrophy, limb-girdle, autosomal dominant 4. Also called: MUSCULAR DYSTROPHY, LIMB-GIRDLE, TYPE 1I; Calpain-3-related limb-girdle muscular dystrophy D4. Identifiers: Orphanet 565909, MedGen C4748295, MONDO:0029133, OMIM 618129.

Allele frequency attached by ClinVar (database versions not stated): gnomAD exomes below 0.00001.
gnomAD v4.1: 2 of 1,614,006 alleles (0.00012%); highest among the groups gnomAD compares: Non-Finnish European, 0.00017%; no homozygotes.

Submissions (4):

GeneDx
Classification: Uncertain significance. Last evaluated: 2023-06-30. Review status: criteria provided, single submitter. Criteria: GeneDx Variant Classification Process June 2021. Collection method: clinical testing. Allele origin: germline. Affected: yes.
Comment: Not observed at significant frequency in large population cohorts (gnomAD); In silico analysis supports a deleterious effect on splicing; In silico analysis supports that this missense variant does not alter protein structure/function; Has not been previously published as pathogenic or benign to our knowledge

University of Washington Department of Laboratory Medicine, University of Washington
Classification: Uncertain significance for Autosomal recessive limb-girdle muscular dystrophy type 2A; Muscular dystrophy, limb-girdle, autosomal dominant 4. Last evaluated: 2023-01-05. Review status: criteria provided, single submitter. Criteria: ACMG Guidelines, 2015. Collection method: clinical testing. Allele origin: unknown. Affected: yes.
Comment: While the phase of this variant (in cis or in trans) is unknown, the presence of the p.Ala726Val variant with an established disease-causing variant increases suspicion for its pathogenicity. Additionally, a different amino acid change at this residue (p.Ala726Ser) has been previously reported in association with CAPN3-related limb girdle muscular dystrophy (Töpf 2020). The p.Ala726Val variant has been submitted to ClinVar (Variation ID: 1210371) and was absent from large population databases, including the Genome Aggregation Database. In silico tools do not consistently predict if the p.Ala726Val variant impacts protein function. These predictions have not been tested directly. Using ACMG guidelines, this variant was classified as a variant of uncertain significance (ACMG evidence codes used: PM2_supporting).

Genome-Nilou Lab
Classification: Uncertain significance for Muscular dystrophy, limb-girdle, autosomal dominant 4. Last evaluated: 2021-07-22. Review status: criteria provided, single submitter. Criteria: ACMG Guidelines, 2015. Collection method: clinical testing. Allele origin: germline. Affected: no.

Genome-Nilou Lab
Classification: Uncertain significance for Autosomal recessive limb-girdle muscular dystrophy type 2A. Last evaluated: 2021-07-22. Review status: criteria provided, single submitter. Criteria: ACMG Guidelines, 2015. Collection method: clinical testing. Allele origin: germline. Affected: no.